The following is an entry in ClinVar:

NM_177438.3(DICER1):c.1318A>G (p.Asn440Asp)

Gene: DICER1 (dicer 1, ribonuclease III; minus strand). Cytogenetic location: 14q32.13.
Variant type: single nucleotide variant.
Coding change: c.1318A>G on transcript NM_177438.3 (MANE Select); coding-DNA position 1318, A replaced by G.
Protein change: p.Asn440Asp; replaces asparagine 440 with aspartic acid.
Molecular consequence: missense variant. On other transcripts: non-coding transcript variant (6), 5 prime UTR variant (1).
Genome position (GRCh38, 1-based): chr14:95,124,254, T>C on the plus strand (A>G on the coding strand, the complement: DICER1 is on the minus strand). VCF-style: chr14-95124254-T-C. GRCh37 (hg19) VCF-style: chr14-95590591-T-C.
Other names: c.1318A>G, p.Asn440Asp (NM_030621.4, NM_001395692.1, NM_001395693.1 and 14 more transcripts); c.913A>G, p.Asn305Asp (NM_001395690.1, NM_001395696.1, NM_001395698.1 and 3 more transcripts); c.751A>G, p.Asn251Asp (NM_001395691.1); c.-251A>G (NM_001395697.1); c.1036A>G, p.Asn346Asp (NM_001395686.1); short protein forms N346D, N440D, N251D, N305D.
Identifiers: ClinVar variation 4746803 (VCV004746803.1).

ClinVar aggregate classification (germline): Uncertain significance (1 of 4 stars; one submission).

Conditions:
DICER1-related tumor predisposition. Also called: DICER1-related pleuropulmonary blastoma cancer predisposition syndrome; DICER1 syndrome. Identifiers: Orphanet 284343, MedGen C3839822, MONDO:0100216.

gnomAD v4.1: 2 of 1,614,024 alleles (0.00012%); highest among the groups gnomAD compares: Non-Finnish European, 0.00017%; no homozygotes.

Submission:

Labcorp Genetics (formerly Invitae), Labcorp
Classification: Uncertain significance for DICER1-related tumor predisposition. Last evaluated: 2025-05-07. Review status: criteria provided, single submitter. Criteria: Invitae Variant Classification Sherloc (09022015). Collection method: clinical testing. Allele origin: germline.
Comment: This sequence change replaces asparagine, which is neutral and polar, with aspartic acid, which is acidic and polar, at codon 440 of the DICER1 protein (p.Asn440Asp). This variant is not present in population databases (gnomAD no frequency). This variant has not been reported in the literature in individuals affected with DICER1-related conditions. Invitae Evidence Modeling of protein sequence and biophysical properties (such as structural, functional, and spatial information, amino acid conservation, physicochemical variation, residue mobility, and thermodynamic stability) indicates that this missense variant is not expected to disrupt DICER1 protein function with a negative predictive value of 95%. In summary, the available evidence is currently insufficient to determine the role of this variant in disease. Therefore, it has been classified as a Variant of Uncertain Significance.